The following is an entry in ClinVar:

ClinVar aggregate classification (germline): Uncertain significance (1 of 4 stars; one submission).

gnomAD v4.1: 4 of 700,418 alleles (0.00057%); highest among the groups gnomAD compares: East Asian, 0.0054%; no homozygotes.

Submission:

Labcorp Genetics (formerly Invitae), Labcorp
Classification: Uncertain significance. Last evaluated: 2022-05-29. Review status: criteria provided, single submitter. Criteria: Invitae Variant Classification Sherloc (09022015). Collection method: clinical testing. Allele origin: germline.
Comment: This variant occurs in the RNU4ATAC gene, which encodes an RNA molecule that does not result in a protein product. This variant is present in population databases (no rsID available, gnomAD 0.004%). This variant has not been reported in the literature in individuals affected with RNU4ATAC-related conditions. Experimental studies and prediction algorithms are not available or were not evaluated, and the functional significance of this variant is currently unknown. In summary, the available evidence is currently insufficient to determine the role of this variant in disease. Therefore, it has been classified as a Variant of Uncertain Significance.

NC_000002.12:g.121530975C>A

Genes: CLASP1 (cytoplasmic linker associated protein 1; minus strand), CLASP1-AS1 (CLASP1 antisense RNA 1; plus strand), RNU4ATAC (RNA, U4atac small nuclear; plus strand). Cytogenetic location: 2q14.2.
Variant type: single nucleotide variant.
Molecular consequence: intron variant (on NM_001395891.1).
Genome position: GRCh38 VCF-style: chr2-121530975-C-A. GRCh37 (hg19) VCF-style: chr2-122288551-C-A.
Other names: c.196-650G>T (NM_001142274.2, NM_015282.3, NM_001378003.1 and 5 more transcripts).
Identifiers: ClinVar variation 1930826 (VCV001930826.2), dbSNP rs538424742, ClinGen allele CA54810977.